The following is an entry in ClinVar:

ClinVar aggregate classification (germline): Pathogenic (1 of 4 stars; one submission).

Conditions:
Kabuki syndrome. Also called: NIIKAWA-KUROKI SYNDROME; Kabuki make-up syndrome. Identifiers: Orphanet 2322, MedGen C0796004, MONDO:0016512.

Submission:

Labcorp Genetics (formerly Invitae), Labcorp
Classification: Pathogenic for Kabuki syndrome. Last evaluated: 2019-11-28. Review status: criteria provided, single submitter. Criteria: Invitae Variant Classification Sherloc (09022015). Collection method: clinical testing. Allele origin: germline.
Comment: This sequence change replaces cysteine with tyrosine at codon 5062 of the KMT2D protein (p.Cys5062Tyr). The cysteine residue is highly conserved and there is a large physicochemical difference between cysteine and tyrosine. For these reasons, this variant has been classified as Pathogenic. Advanced modeling of protein sequence and biophysical properties (such as structural, functional, and spatial information, amino acid conservation, physicochemical variation, residue mobility, and thermodynamic stability) performed at Invitae indicates that this missense variant is expected to disrupt KMT2D protein function. This variant has been observed in individual(s) with Kabuki syndrome (PMID: 25755104). In at least one individual the variant was observed to be de novo. This variant is not present in population databases (ExAC no frequency).

Literature cited by the submitters: PubMed 25755104.

NM_003482.4(KMT2D):c.15185G>A (p.Cys5062Tyr)

Gene: KMT2D (lysine methyltransferase 2D; minus strand). Cytogenetic location: 12q13.12.
Variant type: single nucleotide variant.
Coding change: c.15185G>A on transcript NM_003482.4 (MANE Select); coding-DNA position 15185, G replaced by A.
Protein change: p.Cys5062Tyr; replaces cysteine 5062 with tyrosine.
Molecular consequence: missense variant.
Genome position (GRCh38, 1-based): chr12:49,026,781, C>T on the plus strand (G>A on the coding strand, the complement: KMT2D is on the minus strand). VCF-style: chr12-49026781-C-T. GRCh37 (hg19) VCF-style: chr12-49420564-C-T.
Other names: short protein forms C5062Y.
Identifiers: ClinVar variation 840772 (VCV000840772.9), dbSNP rs1942615152, ClinGen allele CA384689319.
Genomic context (GRCh38, chr12:49,026,781, plus strand): 5'-ACCTCCACATTCATCAGTGCCCCGCCCTGGGTCTCATACACCTCCGTGGACCAAAGGGCA[C>T]AGTTGAGGTGCACCCACAGGTCCAGGTCCAGGTTCAGCAGACGGGCAGGCCCATCAGTGG-3'
Protein context (NP_003473.3, residues 5052-5072): LDLDLWVHLN[Cys5062Tyr]ALWSTEVYET